The following is an entry in ClinVar:

ClinVar aggregate classification (germline): Pathogenic (1 of 4 stars; one submission).

Conditions:
ELN-related disorder.

Submission:

PreventionGenetics, part of Exact Sciences
Classification: Pathogenic for ELN-related condition. Last evaluated: 2025-11-05. Review status: criteria provided, single submitter. Criteria: ACMG Guidelines, 2015. Collection method: clinical testing. Allele origin: germline.
Comment: The ELN c.1697delC variant is predicted to result in a frameshift and premature protein termination (p.Ala566Valfs*47). To our knowledge, this variant has not been reported in the literature or in a large population database (gnomAD), indicating this variant is rare. Frameshift variants in ELN are expected to be pathogenic. This variant is interpreted as pathogenic.

NM_000501.4(ELN):c.1697del (p.Ala566fs)

Genes: ELN (elastin; plus strand), ELN-AS1 (ELN antisense RNA 1; minus strand). Cytogenetic location: 7q11.23.
Variant type: Deletion.
Coding change: c.1697del on transcript NM_000501.4 (MANE Select); coding-DNA position 1697, one base deleted (C; older notation c.1697delC).
Protein change: p.Ala566fs; shifts the reading frame from alanine 566.
Molecular consequence: frameshift variant.
Genome position (GRCh38, 1-based): chr7:74,060,451, C deleted. VCF-style (leftmost placement, unchanged base first): chr7-74060450-GC-G. GRCh37 (hg19) VCF-style: chr7-73474780-GC-G.
Other names: c.1610del, p.Ala537fs (NM_001081752.3); c.1655del, p.Ala552fs (NM_001081753.3); c.1712del, p.Ala571fs (NM_001081754.3); c.1640del, p.Ala547fs (NM_001081755.3); c.1697del, p.Ala566fs (NM_001278912.2); c.1454del, p.Ala485fs (NM_001278913.2); c.1625del, p.Ala542fs (NM_001278914.2); c.1715del, p.Ala572fs (NM_001278915.2); and 4 more; short protein forms A477fs, A485fs, A518fs, A537fs, A542fs, A547fs, A552fs, A556fs.
Identifiers: ClinVar variation 2633103 (VCV002633103.2), dbSNP rs2486321745, ClinGen allele CA2695198497.
Genomic context (GRCh38, chr7:74,060,450, plus strand): 5'-CTTGGTGCTGGCATCCCTGGACTTGGAGTTGGTGTCGGCGTCCCTGGACTTGGAGTTGGT[GC>G]TGGTGTTCCTGGACTTGGAGTTGGTGCTGGTGTTCCTGGCTTCGGGGCAGGTGCAGATGA-3'